The following is an entry in ClinVar:

ClinVar aggregate classification (germline): Uncertain significance (1 of 4 stars; one submission).

Conditions:
Hereditary cancer-predisposing syndrome. Also called: Hereditary neoplastic syndrome; Hereditary Cancer Syndrome; Neoplastic Syndromes, Hereditary; Tumor predisposition. Identifiers: Orphanet 140162, MedGen C0027672, MeSH D009386, MONDO:0015356.

Allele frequency attached by ClinVar (database versions not stated): gnomAD 0.00001; TOPMed 0.00001.
gnomAD v4.1: 1 of 1,612,022 alleles (0.000062%); highest among the groups gnomAD compares: African/African-American, 0.0013%; no homozygotes.

Submission:

Ambry Genetics
Classification: Uncertain significance for Hereditary cancer-predisposing syndrome. Last evaluated: 2025-11-05. Review status: criteria provided, single submitter. Criteria: Ambry Variant Classification Scheme 2023. Collection method: clinical testing. Allele origin: germline.
Comment: The p.R740T variant (also known as c.2219G>C), located in coding exon 15 of the KIT gene, results from a G to C substitution at nucleotide position 2219. The arginine at codon 740 is replaced by threonine, an amino acid with similar properties. This amino acid position is conserved. In addition, the in silico prediction for this alteration is inconclusive. Since supporting evidence is limited at this time, the clinical significance of this alteration remains unclear.

NM_000222.3(KIT):c.2219G>C (p.Arg740Thr)

Gene: KIT (KIT proto-oncogene, receptor tyrosine kinase; plus strand). Cytogenetic location: 4q12.
Variant type: single nucleotide variant.
Coding change: c.2219G>C on transcript NM_000222.3 (MANE Select); coding-DNA position 2219, G replaced by C.
Protein change: p.Arg740Thr; replaces arginine 740 with threonine.
Molecular consequence: missense variant.
Genome position (GRCh38, 1-based): chr4:54,731,405, G>C. VCF-style: chr4-54731405-G-C. GRCh37 (hg19) VCF-style: chr4-55597571-G-C.
Other names: c.2207G>C, p.Arg736Thr (NM_001093772.2, NM_001385292.1); c.2222G>C, p.Arg741Thr (NM_001385284.1); c.2216G>C, p.Arg739Thr (NM_001385285.1); c.2204G>C, p.Arg735Thr (NM_001385286.1); c.2210G>C, p.Arg737Thr (NM_001385288.1); c.2219G>C, p.Arg740Thr (NM_001385290.1); short protein forms R737T, R739T, R736T, R740T, R741T, R735T.
Identifiers: ClinVar variation 2568306 (VCV002568306.3), dbSNP rs1359607479, ClinGen allele CA356910771.
Genomic context (GRCh38, chr4:54,731,405, plus strand): 5'-AGTACATGGACATGAAACCTGGAGTTTCTTATGTTGTCCCAACCAAGGCCGACAAAAGGA[G>C]ATCTGTGAGAATAGGTGAGTACCTACCTATCAAGCAACCAAGAGTAACTTTACAGAGAGT-3'
Protein context (NP_000213.1, residues 730-750): YVVPTKADKR[Arg740Thr]SVRIGSYIER